The following is an entry in ClinVar:

ClinVar aggregate classification (germline): Uncertain significance (1 of 4 stars; one submission).

gnomAD v4.1: 3 of 1,614,214 alleles (0.00019%); highest among the groups gnomAD compares: Non-Finnish European, 0.00025%; no homozygotes.

Submission:

Labcorp Genetics (formerly Invitae), Labcorp
Classification: Uncertain significance. Last evaluated: 2024-10-19. Review status: criteria provided, single submitter. Criteria: Invitae Variant Classification Sherloc (09022015). Collection method: clinical testing. Allele origin: germline.
Comment: This sequence change replaces asparagine, which is neutral and polar, with lysine, which is basic and polar, at codon 3904 of the FAT2 protein (p.Asn3904Lys). This variant is not present in population databases (gnomAD no frequency). This variant has not been reported in the literature in individuals affected with FAT2-related conditions. An algorithm developed to predict the effect of missense changes on protein structure and function outputs the following: PolyPhen-2: "Benign". The lysine amino acid residue is found in multiple mammalian species, which suggests that this missense change does not adversely affect protein function. In summary, the available evidence is currently insufficient to determine the role of this variant in disease. Therefore, it has been classified as a Variant of Uncertain Significance.

NM_001447.3(FAT2):c.11712T>A (p.Asn3904Lys)

Genes: FAT2 (FAT atypical cadherin 2; minus strand), SLC36A1 (solute carrier family 36 member 1; plus strand). Cytogenetic location: 5q33.1.
Variant type: single nucleotide variant.
Coding change: c.11712T>A on transcript NM_001447.3 (MANE Select); coding-DNA position 11712, T replaced by A.
Protein change: p.Asn3904Lys; replaces asparagine 3904 with lysine.
Molecular consequence: missense variant.
Genome position (GRCh38, 1-based): chr5:151,512,358, A>T on the plus strand (T>A on the coding strand, the complement: FAT2 is on the minus strand). VCF-style: chr5-151512358-A-T. GRCh37 (hg19) VCF-style: chr5-150891919-A-T.
Other names: short protein forms N3904K.
Identifiers: ClinVar variation 3674252 (VCV003674252.2).